The following is an entry in ClinVar:

ClinVar aggregate classification (germline): Likely benign (1 of 4 stars; one submission).

Submission:

GeneDx
Classification: Likely benign. Last evaluated: 2016-01-27. Review status: criteria provided, single submitter. Criteria: GeneDx Variant Classification (06012015). Collection method: clinical testing. Allele origin: germline. Affected: yes.
Comment: This variant is considered likely benign or benign based on one or more of the following criteria: it is a conservative change, it occurs at a poorly conserved position in the protein, it is predicted to be benign by multiple in silico algorithms, and/or has population frequency not consistent with disease.

NM_052859.4(RFT1):c.258G>A (p.Leu86=)

Gene: RFT1 (RFT1 homolog; minus strand). Cytogenetic location: 3p21.1.
Variant type: single nucleotide variant.
Coding change: c.258G>A on transcript NM_052859.4 (MANE Select); coding-DNA position 258, G replaced by A.
Protein change: p.Leu86=; no amino-acid change (leucine 86 retained).
Molecular consequence: synonymous variant.
Genome position (GRCh38, 1-based): chr3:53,123,732, C>T on the plus strand (G>A on the coding strand, the complement: RFT1 is on the minus strand). VCF-style: chr3-53123732-C-T. GRCh37 (hg19) VCF-style: chr3-53157748-C-T.
Identifiers: ClinVar variation 382086 (VCV000382086.1), dbSNP rs1057521248, ClinGen allele CA16604633.